The following is an entry in ClinVar:

NM_000228.3(LAMB3):c.758_759del (p.His253fs)

Gene: LAMB3 (laminin subunit beta 3; minus strand). Cytogenetic location: 1q32.2.
Variant type: Deletion.
Coding change: c.758_759del on transcript NM_000228.3 (MANE Select); coding-DNA positions 758 to 759, 2 bases deleted (AC; older notation c.758_759delAC).
Protein change: p.His253fs; shifts the reading frame from histidine 253.
Molecular consequence: frameshift variant.
Genome position (GRCh38, 1-based): chr1:209,632,646-209,632,647, GT deleted on the plus strand (AC on the coding strand, the reverse complement: LAMB3 is on the minus strand); deleting any 2 consecutive bases within chr1:209,632,646-209,632,648 gives the same sequence; the c. name uses the placement nearest the transcript's 3' end. VCF-style (leftmost placement, unchanged base first): chr1-209632645-CGT-C. GRCh37 (hg19) VCF-style: chr1-209805990-CGT-C.
Other names: c.758_759del, p.His253fs (NM_001017402.2, NM_001127641.1); short protein forms H253fs.
Identifiers: ClinVar variation 1725504 (VCV001725504.3), dbSNP rs2464867276, ClinGen allele CA2580061966.
Genomic context (GRCh38, chr1:209,632,645, plus strand): 5'-GCACAGCGGTGGAGGGGCCTGCAGAGGCCCCAGGCTTGGGTGCGCAGCGATCAGCATGGC[CGT>C]GACAGAAGCAGCTCCCCTGCAGACGGAGCTGGGACACAGCATAGTAGGCGCTGGGAGGGT-3'

ClinVar aggregate classification (germline): Likely pathogenic (1 of 4 stars; one submission).

Conditions:
Junctional epidermolysis bullosa. Identifiers: Orphanet 305, MedGen C0079301, MONDO:0017612.

Submission:

Myriad Genetics, Inc.
Classification: Likely pathogenic for Junctional epidermolysis bullosa. Last evaluated: 2022-03-29. Review status: criteria provided, single submitter. Criteria: Myriad Autosomal Dominant, Autosomal Recessive and X-Linked Classification Criteria (2023). Collection method: clinical testing. Allele origin: unknown.
Comment: NM_000228.2(LAMB3):c.758_759delAC(H253Rfs*4) is expected to be pathogenic in the context of junctional epidermolysis bullosa, LAMB3-related. This variant is predicted to lead to an abnormal or absent protein product due to the creation of a premature termination codon in LAMB3, a gene where loss-of-function variants are known to be pathogenic. Please note: this variant was assessed in the context of healthy population screening.